The following is an entry in ClinVar:

ClinVar aggregate classification (germline): Likely pathogenic. Review status: criteria provided, single submitter (1 of 4 stars). 2 submissions from 2 submitters: Likely pathogenic (1). 1 of the submissions does not count toward it. Last evaluated 2025-05-11.

Conditions:
C1Q deficiency. Identifiers: MedGen C3150902, MONDO:0013343.

Allele frequency attached by ClinVar (database versions not stated): gnomAD exomes 0.00001 and 0.00005; ExAC 0.00002; TOPMed 0.00002.
gnomAD v4.1: 76 of 1,613,762 alleles (0.0047%); highest among the groups gnomAD compares: Non-Finnish European, 0.0062%; no homozygotes.

Submissions (2):

Labcorp Genetics (formerly Invitae), Labcorp
Classification: Likely pathogenic. Last evaluated: 2025-05-11. Review status: criteria provided, single submitter. Criteria: Invitae Variant Classification Sherloc (09022015). Collection method: clinical testing. Allele origin: germline.
Comment: This sequence change replaces glycine, which is neutral and non-polar, with arginine, which is basic and polar, at codon 244 of the C1QB protein (p.Gly244Arg). This variant is present in population databases (rs34813378, gnomAD 0.007%). This missense change has been observed in individual(s) with C1QB-related conditions (PMID: 17513176). It has also been observed to segregate with disease in related individuals. This variant is also known as Gly217Arg. ClinVar contains an entry for this variant (Variation ID: 440742). Invitae Evidence Modeling of protein sequence and biophysical properties (such as structural, functional, and spatial information, amino acid conservation, physicochemical variation, residue mobility, and thermodynamic stability) indicates that this missense variant is expected to disrupt C1QB protein function with a positive predictive value of 80%. Algorithms developed to predict the effect of sequence changes on RNA splicing suggest that this variant may create or strengthen a splice site. In summary, the currently available evidence indicates that the variant is pathogenic, but additional data are needed to prove that conclusively. Therefore, this variant has been classified as Likely Pathogenic.

OMIM
Classification: Pathogenic for C1Q DEFICIENCY. Last evaluated: 2017-09-28. Review status: no assertion criteria provided. Collection method: literature only. Allele origin: germline. Not counted in ClinVar's aggregate classification.

Literature cited by the submitters: PubMed 17513176 (cited by Labcorp Genetics (formerly Invitae), Labcorp and OMIM); PubMed 21654842 (cited by OMIM).

NM_001378156.1(C1QB):c.724G>A (p.Gly242Arg)

Gene: C1QB (complement C1q B chain; plus strand). Cytogenetic location: 1p36.12.
Variant type: single nucleotide variant.
Coding change: c.724G>A on transcript NM_001378156.1 (MANE Select); coding-DNA position 724, G replaced by A.
Protein change: p.Gly242Arg; replaces glycine 242 with arginine.
Molecular consequence: missense variant.
Genome position (GRCh38, 1-based): chr1:22,661,354, G>A. VCF-style: chr1-22661354-G-A. GRCh37 (hg19) VCF-style: chr1-22987847-G-A.
Other names: C1QB, GLY217ARG; G217R; c.730G>A, p.Gly244Arg (NM_000491.5); c.724G>A, p.Gly242Arg (NM_001371184.3); short protein forms G244R, G242R.
Identifiers: ClinVar variation 440742 (VCV000440742.2), dbSNP rs34813378, ClinGen allele CA678219.